The following is an entry in ClinVar:

ClinVar aggregate classification (germline): Conflicting classifications of pathogenicity. Review status: criteria provided, conflicting classifications (1 of 4 stars). 2 submissions from 2 submitters: Uncertain significance (1); Likely benign (1). Last evaluated 2026-01-16.

Conditions:
Inborn genetic diseases. Identifiers: MedGen C0950123, MeSH D030342.
Combined deficiency of sialidase AND beta galactosidase (GSL). Also called: CATHEPSIN A DEFICIENCY; GOLDBERG SYNDROME; NEURAMINIDASE DEFICIENCY WITH BETA-GALACTOSIDASE DEFICIENCY; NEURAMINIDASE/BETA-GALACTOSIDASE EXPRESSION; PPCA DEFICIENCY; PROTECTIVE PROTEIN/CATHEPSIN A DEFICIENCY. Identifiers: Orphanet 351, MedGen C0268233, MONDO:0009737, OMIM 256540.

Allele frequency attached by ClinVar (database versions not stated): ESP Exome Variant Server 0.00062; 1000 Genomes Project 30x 0.00016; 1000 Genomes Project 0.00020.

Submissions (2):

Labcorp Genetics (formerly Invitae), Labcorp
Classification: Likely benign for Combined deficiency of sialidase AND beta galactosidase. Last evaluated: 2026-01-16. Review status: criteria provided, single submitter. Criteria: Invitae Variant Classification Sherloc (09022015). Collection method: clinical testing. Allele origin: germline.

Ambry Genetics
Classification: Uncertain significance for Inborn genetic diseases. Last evaluated: 2020-12-28. Review status: criteria provided, single submitter. Criteria: Ambry Variant Classification Scheme 2023. Collection method: clinical testing. Allele origin: germline.
Comment: The c.538C>G (p.R180G) alteration is located in exon 6 (coding exon 6) of the CTSA gene. This alteration results from a C to G substitution at nucleotide position 538, causing the arginine (R) at amino acid position 180 to be replaced by a glycine (G). The p.R180G alteration is predicted to be tolerated by in silico analysis. Based on insufficient or conflicting evidence, the clinical significance of this alteration remains unclear.

NM_000308.4(CTSA):c.484C>G (p.Arg162Gly)

Gene: CTSA (cathepsin A; plus strand). Cytogenetic location: 20q13.12.
Variant type: single nucleotide variant.
Coding change: c.484C>G on transcript NM_000308.4 (MANE Select); coding-DNA position 484, C replaced by G.
Protein change: p.Arg162Gly; replaces arginine 162 with glycine.
Molecular consequence: missense variant. On other transcripts: non-coding transcript variant (1).
Genome position (GRCh38, 1-based): chr20:45,892,764, C>G. VCF-style: chr20-45892764-C-G. GRCh37 (hg19) VCF-style: chr20-44521403-C-G.
Other names: c.484C>G, p.Arg162Gly (NM_001127695.3); c.433C>G, p.Arg145Gly (NM_001167594.3); short protein forms R145G, R162G.
Identifiers: ClinVar variation 2390746 (VCV002390746.3), dbSNP rs150665171, ClinGen allele CA9883057.
Genomic context (GRCh38, chr20:45,892,764, plus strand): 5'-GTCTTGCTCTGCCATCCCCAGGTCGCCCAGAGCAATTTTGAGGCCCTTCAAGATTTCTTC[C>G]GCCTCTTTCCGGAGTACAAGAACAACAAACTTTTCCTGACCGGGGAGAGCTATGCTGGCA-3'
Protein context (NP_000299.3, residues 152-172): SNFEALQDFF[Arg162Gly]LFPEYKNNKL